The following is an entry in ClinVar:

ClinVar aggregate classification (germline): Uncertain significance. Review status: criteria provided, multiple submitters, no conflicts (2 of 4 stars). 2 submissions from 2 submitters: Uncertain significance (2). Last evaluated 2025-11-01.

gnomAD v4.1: 11 of 1,613,882 alleles (0.00068%); highest among the groups gnomAD compares: African/African-American, 0.0027%; no homozygotes.

Submissions (2):

CeGaT Center for Human Genetics Tuebingen
Classification: Uncertain significance. Last evaluated: 2025-11-01. Review status: criteria provided, single submitter. Criteria: CeGaT Center For Human Genetics Tuebingen Variant Classification Criteria Version 2. Collection method: clinical testing. Allele origin: germline. Affected: yes. Observed: 1 variant allele.
Comment: ITPR1: PP3

Labcorp Genetics (formerly Invitae), Labcorp
Classification: Uncertain significance. Last evaluated: 2025-05-02. Review status: criteria provided, single submitter. Criteria: Invitae Variant Classification Sherloc (09022015). Collection method: clinical testing. Allele origin: germline.
Comment: This sequence change replaces arginine, which is basic and polar, with tryptophan, which is neutral and slightly polar, at codon 1350 of the ITPR1 protein (p.Arg1350Trp). This variant is present in population databases (rs768105337, gnomAD 0.007%). This variant has not been reported in the literature in individuals affected with ITPR1-related conditions. Invitae Evidence Modeling of protein sequence and biophysical properties (such as structural, functional, and spatial information, amino acid conservation, physicochemical variation, residue mobility, and thermodynamic stability) indicates that this missense variant is expected to disrupt ITPR1 protein function with a positive predictive value of 80%. In summary, the available evidence is currently insufficient to determine the role of this variant in disease. Therefore, it has been classified as a Variant of Uncertain Significance.

NM_001378452.1(ITPR1):c.4120C>T (p.Arg1374Trp)

Gene: ITPR1 (inositol 1,4,5-trisphosphate receptor type 1; plus strand). Cytogenetic location: 3p26.1.
Variant type: single nucleotide variant.
Coding change: c.4120C>T on transcript NM_001378452.1 (MANE Select); coding-DNA position 4120, C replaced by T.
Protein change: p.Arg1374Trp; replaces arginine 1374 with tryptophan.
Molecular consequence: missense variant.
Genome position (GRCh38, 1-based): chr3:4,693,580, C>T. VCF-style: chr3-4693580-C-T. GRCh37 (hg19) VCF-style: chr3-4735264-C-T.
Other names: c.4093C>T, p.Arg1365Trp (NM_001099952.4); c.4075C>T, p.Arg1359Trp (NM_001168272.2); c.4048C>T, p.Arg1350Trp (NM_002222.7); short protein forms R1350W, R1359W, R1365W, R1374W.
Identifiers: ClinVar variation 4534204 (VCV004534204.7).